The following is an entry in ClinVar:

NM_001365480.1(CCDC88A):c.724C>T (p.Arg242Ter)

Gene: CCDC88A (coiled-coil and HOOK domain protein 88A; minus strand). Cytogenetic location: 2p16.1.
Variant type: single nucleotide variant.
Coding change: c.724C>T on transcript NM_001365480.1 (MANE Select); coding-DNA position 724, C replaced by T.
Protein change: p.Arg242Ter; replaces arginine 242 with a stop codon.
Molecular consequence: nonsense.
Genome position (GRCh38, 1-based): chr2:55,355,655, G>A on the plus strand (C>T on the coding strand, the complement: CCDC88A is on the minus strand). VCF-style: chr2-55355655-G-A. GRCh37 (hg19) VCF-style: chr2-55582791-G-A.
Other names: c.724C>T, p.Arg242Ter (NM_001135597.2, NM_001254943.2, NM_018084.5); short protein forms R242*.
Identifiers: ClinVar variation 3647287 (VCV003647287.2).
Genomic context (GRCh38, chr2:55,355,655, plus strand): 5'-TTCTTATCTTGGCTTTAGCATCTGCCAGTTCCACCGACAGATGTTGTCGACTTTCTGTTC[G>A]CTTCATGCCTGGAGAACCACAGGGTGACTGTGCAGATGAAGAGGCATGGGGTAGAAAATG-3'

ClinVar aggregate classification (germline): Pathogenic (1 of 4 stars; one submission).

gnomAD v4.1: 1 of 1,613,984 alleles (0.000062%); no homozygotes.

Submission:

Labcorp Genetics (formerly Invitae), Labcorp
Classification: Pathogenic. Last evaluated: 2024-03-22. Review status: criteria provided, single submitter. Criteria: Invitae Variant Classification Sherloc (09022015). Collection method: clinical testing. Allele origin: germline.
Comment: This sequence change creates a premature translational stop signal (p.Arg242*) in the CCDC88A gene. It is expected to result in an absent or disrupted protein product. Loss-of-function variants in CCDC88A are known to be pathogenic (PMID: 26917597, 30392057). This variant is not present in population databases (gnomAD no frequency). This variant has not been reported in the literature in individuals affected with CCDC88A-related conditions. For these reasons, this variant has been classified as Pathogenic.

Literature cited by the submitters: PubMed 26917597; PubMed 30392057.